The following is an entry in ClinVar:

ClinVar aggregate classification (germline): Uncertain significance (1 of 4 stars; one submission).

Submission:

GeneDx
Classification: Uncertain significance. Last evaluated: 2022-04-07. Review status: criteria provided, single submitter. Criteria: GeneDx Variant Classification Process June 2021. Collection method: clinical testing. Allele origin: germline. Affected: yes.
Comment: Not observed at significant frequency in large population cohorts (gnomAD); In silico analysis supports that this missense variant has a deleterious effect on protein structure/function; Has not been previously published as pathogenic or benign to our knowledge

NM_014225.6(PPP2R1A):c.317A>G (p.Asp106Gly)

Gene: PPP2R1A (protein phosphatase 2 scaffold subunit Aalpha; plus strand). Cytogenetic location: 19q13.41.
Variant type: single nucleotide variant.
Coding change: c.317A>G on transcript NM_014225.6 (MANE Select); coding-DNA position 317, A replaced by G.
Protein change: p.Asp106Gly; replaces aspartic acid 106 with glycine.
Molecular consequence: missense variant. On other transcripts: 5 prime UTR variant (1), non-coding transcript variant (1).
Genome position (GRCh38, 1-based): chr19:52,211,306, A>G. VCF-style: chr19-52211306-A-G. GRCh37 (hg19) VCF-style: chr19-52714559-A-G.
Other names: c.-221A>G (NM_001363656.2); short protein forms D106G.
Identifiers: ClinVar variation 1708729 (VCV001708729.2), dbSNP rs2514088357, ClinGen allele CA407182132.
Genomic context (GRCh38, chr19:52,211,306, plus strand): 5'-TGTTCTCACCACAGCCACCGCTGGAGTCGCTGGCCACAGTGGAGGAGACAGTGGTGCGGG[A>G]CAAGGCAGTGGAGTCCTTACGGGCCATCTCACACGAGCACTCGCCCTCTGACCTGGAGGC-3'
Protein context (NP_055040.2, residues 96-116): LATVEETVVR[Asp106Gly]KAVESLRAIS